The following is an entry in ClinVar:

ClinVar aggregate classification (germline): Likely benign. Review status: criteria provided, multiple submitters, no conflicts (2 of 4 stars). 3 submissions from 3 submitters: Likely benign (2). 1 of the submissions does not count toward it. Last evaluated 2025-10-16.

Conditions:
ARMC9-related disorder. Also called: ARMC9-related condition.

Allele frequency attached by ClinVar (database versions not stated): ESP Exome Variant Server 0.00077; gnomAD 0.00087 and 0.00093; TOPMed 0.00105; 1000 Genomes Project 30x 0.00156; 1000 Genomes Project 0.00160.
gnomAD v4.1: 264 of 1,613,658 alleles (0.016%); highest among the groups gnomAD compares: African/African-American, 0.31%; no homozygotes.

Submissions (3):

Labcorp Genetics (formerly Invitae), Labcorp
Classification: Likely benign. Last evaluated: 2025-10-16. Review status: criteria provided, single submitter. Criteria: Invitae Variant Classification Sherloc (09022015). Collection method: clinical testing. Allele origin: germline.

Blueprint Genetics
Classification: Likely benign. Last evaluated: 2024-07-04. Review status: criteria provided, single submitter. Criteria: ACMG Guidelines, 2015. Collection method: clinical testing. Allele origin: germline.

PreventionGenetics, part of Exact Sciences
Classification: Likely benign for ARMC9-related condition. Last evaluated: 2024-04-16. Review status: no assertion criteria provided. Collection method: clinical testing. Allele origin: germline. Not counted in ClinVar's aggregate classification.
Comment: This variant is classified as likely benign based on ACMG/AMP sequence variant interpretation guidelines (Richards et al. 2015 PMID: 25741868, with internal and published modifications).

NM_001352754.2(ARMC9):c.1644A>G (p.Leu548=)

Gene: ARMC9 (armadillo repeat containing 9; plus strand). Cytogenetic location: 2q37.1.
Variant type: single nucleotide variant.
Coding change: c.1644A>G on transcript NM_001352754.2 (MANE Select); coding-DNA position 1644, A replaced by G.
Protein change: p.Leu548=; no amino-acid change (leucine 548 retained).
Molecular consequence: synonymous variant. On other transcripts: non-coding transcript variant (1).
Genome position (GRCh38, 1-based): chr2:231,291,370, A>G. VCF-style: chr2-231291370-A-G. GRCh37 (hg19) VCF-style: chr2-232156083-A-G.
Other names: c.1644A>G (NM_025139.5); c.1644A>G, p.Leu548= (NM_001271466.4, NM_001291656.2, NM_001352755.2 and 3 more transcripts); c.1545A>G, p.Leu515= (NM_001352757.2, NM_001352758.2).
Identifiers: ClinVar variation 1158761 (VCV001158761.11), dbSNP rs146650763, ClinGen allele CA2160430.